The following is an entry in ClinVar:

GRCh38/hg38 8p23.3(chr8:241605-458761)x3

Genes: FAM87A (family with sequence similarity 87 member A; minus strand), FBXO25 (F-box protein 25; plus strand), ZNF596 (zinc finger protein 596; plus strand), LOC129999772 (ATAC-STARR-seq lymphoblastoid active region 26939; plus strand), LOC129999773 (ATAC-STARR-seq lymphoblastoid active region 26940; plus strand) and 3 more. Cytogenetic location: 8p23.3.
Variant type: copy number gain.
Change: copy number 3 (three copies instead of two) of chr8:241,605-458,761 (217.2 kb, GRCh38 coordinates, 1-based), cytogenetic band 8p23.3.
Identifiers: ClinVar variation 144676 (VCV000144676.2).

ClinVar aggregate classification (germline): Benign/Likely benign (0 of 4 stars; one submission).

Submission:

ISCA site 4
Classification: Benign/Likely benign. Last evaluated: 2012-09-21. Review status: no assertion criteria provided. Collection method: clinical testing. Allele origin: unknown. Affected: yes. Observed: 5 variant alleles. Clinical features observed: Developmental delay AND/OR other significant developmental or morphological phenotypes, High palate (HP:0000156), Posteriorly rotated ears (HP:0000358), Premature birth (HP:0001622), Nevus (HP:0003764), obsolete Abnormality of globe location or size (HP:0000489), Abnormality of the pupil (HP:0000615).
Comment: Likely benign (3), Benign (2)

Copy number variation identified through the course of routine clinical cytogenomic testing in postnatal populations, with clinical assertions as classified by the original submitter. For data from the original published study, Kaminsky, et al. 2011 (PubMed 21844811), please see nstd101.